The following is an entry in ClinVar:

NM_015570.4(AUTS2):c.3415C>A (p.Pro1139Thr)

Gene: AUTS2 (activator of transcription and developmental regulator AUTS2; plus strand). Cytogenetic location: 7q11.22.
Variant type: single nucleotide variant.
Coding change: c.3415C>A on transcript NM_015570.4 (MANE Select); coding-DNA position 3415, C replaced by A.
Protein change: p.Pro1139Thr; replaces proline 1139 with threonine.
Molecular consequence: missense variant.
Genome position (GRCh38, 1-based): chr7:70,790,631, C>A. VCF-style: chr7-70790631-C-A. GRCh37 (hg19) VCF-style: chr7-70255617-C-A.
Other names: c.3343C>A, p.Pro1115Thr (NM_001127231.3); short protein forms P1115T, P1139T.
Identifiers: ClinVar variation 3251647 (VCV003251647.4), dbSNP rs375948367.

ClinVar aggregate classification (germline): Conflicting classifications of pathogenicity. Review status: criteria provided, conflicting classifications (1 of 4 stars). 3 submissions from 3 submitters: Uncertain significance (1); Benign (1); Likely benign (1). Last evaluated 2024-10-02.

Allele frequency attached by ClinVar (database versions not stated): ExAC 0.00004; gnomAD 0.00004; TOPMed 0.00005; ESP Exome Variant Server 0.00008.
gnomAD v4.1: 102 of 1,611,698 alleles (0.0063%); highest among the groups gnomAD compares: Non-Finnish European, 0.0077%; no homozygotes.

Submissions (3):

Labcorp Genetics (formerly Invitae), Labcorp
Classification: Benign. Last evaluated: 2024-10-02. Review status: criteria provided, single submitter. Criteria: Invitae Variant Classification Sherloc (09022015). Collection method: clinical testing. Allele origin: germline.

Women's Health and Genetics/Laboratory Corporation of America, LabCorp
Classification: Uncertain significance. Last evaluated: 2024-04-26. Review status: criteria provided, single submitter. Criteria: LabCorp Variant Classification Summary - May 2015. Collection method: clinical testing. Allele origin: germline.
Comment: Variant summary: AUTS2 c.3415C>A (p.Pro1139Thr) results in a non-conservative amino acid change in the encoded protein sequence. Three of five in-silico tools predict a damaging effect of the variant on protein function. The variant allele was found at a frequency of 8.4e-06 in 239512 control chromosomes. The available data on variant occurrences in the general population are insufficient to allow any conclusion about variant significance. To our knowledge, no occurrence of c.3415C>A in individuals affected with Autism Spectrum Disorder Due To AUTS2 Deficiency and no experimental evidence demonstrating its impact on protein function have been reported. No submitters have cited clinical-significance assessments for this variant to ClinVar. Based on the evidence outlined above, the variant was classified as uncertain significance.

Blueprint Genetics
Classification: Likely benign. Last evaluated: 2020-10-19. Review status: criteria provided, single submitter. Criteria: ACMG Guidelines, 2015. Collection method: clinical testing. Allele origin: germline.